The following is an entry in ClinVar:

NM_005458.8(GABBR2):c.113G>A (p.Gly38Glu)

Gene: GABBR2 (gamma-aminobutyric acid type B receptor subunit 2; minus strand). Cytogenetic location: 9q22.33.
Variant type: single nucleotide variant.
Coding change: c.113G>A on transcript NM_005458.8 (MANE Select); coding-DNA position 113, G replaced by A.
Protein change: p.Gly38Glu; replaces glycine 38 with glutamic acid.
Molecular consequence: missense variant.
Genome position (GRCh38, 1-based): chr9:98,708,625, C>T on the plus strand (G>A on the coding strand, the complement: GABBR2 is on the minus strand). VCF-style: chr9-98708625-C-T. GRCh37 (hg19) VCF-style: chr9-101470907-C-T.
Other names: c.113G>A (NM_005458.7); short protein forms G38E.
Identifiers: ClinVar variation 1012623 (VCV001012623.44), dbSNP rs1830934754, ClinGen allele CA374212823.

ClinVar aggregate classification (germline): Conflicting classifications of pathogenicity. Review status: criteria provided, conflicting classifications (1 of 4 stars). 4 submissions from 4 submitters: Uncertain significance (2); Likely benign (2). Last evaluated 2025-01-08.

Conditions:
Inborn genetic diseases. Identifiers: MedGen C0950123, MeSH D030342.
Epileptic encephalopathy. Identifiers: MedGen C0543888, HP:0200134.

Allele frequency attached by ClinVar (database versions not stated): TOPMed below 0.00001; gnomAD exomes 0.00001.
gnomAD v4.1: 7 of 1,286,096 alleles (0.00054%); highest among the groups gnomAD compares: Non-Finnish European, 0.00068%; no homozygotes.

Submissions (4):

Ambry Genetics
Classification: Uncertain significance for Inborn genetic diseases. Last evaluated: 2025-01-08. Review status: criteria provided, single submitter. Criteria: Ambry Variant Classification Scheme 2023. Collection method: clinical testing. Allele origin: germline.

Labcorp Genetics (formerly Invitae), Labcorp
Classification: Uncertain significance for Epileptic encephalopathy. Last evaluated: 2023-07-07. Review status: criteria provided, single submitter. Criteria: Invitae Variant Classification Sherloc (09022015). Collection method: clinical testing. Allele origin: germline.
Comment: ClinVar contains an entry for this variant (Variation ID: 1012623). This variant has not been reported in the literature in individuals affected with GABBR2-related conditions. This variant is not present in population databases (gnomAD no frequency). This sequence change replaces glycine, which is neutral and non-polar, with glutamic acid, which is acidic and polar, at codon 38 of the GABBR2 protein (p.Gly38Glu). In summary, the available evidence is currently insufficient to determine the role of this variant in disease. Therefore, it has been classified as a Variant of Uncertain Significance. Experimental studies and prediction algorithms are not available or were not evaluated, and the functional significance of this variant is currently unknown.

CeGaT Center for Human Genetics Tuebingen
Classification: Likely benign. Last evaluated: 2020-07-01. Review status: criteria provided, single submitter. Criteria: CeGaT Center For Human Genetics Tuebingen Variant Classification Criteria Version 2. Collection method: clinical testing. Allele origin: germline. Affected: yes. Observed: 1 variant allele.

Breakthrough Genomics
Classification: Likely benign. Review status: criteria provided, single submitter. Criteria: ACMG Guidelines, 2015. Collection method: not provided. Allele origin: germline. Inheritance: Autosomal dominant inheritance. Affected: yes.